The following is an entry in ClinVar:

ClinVar aggregate classification (germline): Likely benign (1 of 4 stars; one submission).

Conditions:
Thrombophilia due to protein S deficiency, autosomal dominant (THPH5). Identifiers: Orphanet 26349, Orphanet 743, MedGen C3278211, MONDO:0012868, OMIM 612336. Disease mechanism: loss of function.

Allele frequency attached by ClinVar (database versions not stated): gnomAD 0.00245 and 0.00263; TOPMed 0.00274; 1000 Genomes Project 0.00300; 1000 Genomes Project 30x 0.00437.

Submission:

Illumina Laboratory Services, Illumina
Classification: Likely benign for Thrombophilia due to protein S deficiency, autosomal dominant. Last evaluated: 2018-01-13. Review status: criteria provided, single submitter. Criteria: ICSL Variant Classification Criteria 13 December 2019. Collection method: clinical testing. Allele origin: germline.
Comment: This variant was observed in the ICSL laboratory as part of a predisposition screen in an ostensibly healthy population. It had not been previously curated by ICSL or reported in the Human Gene Mutation Database (HGMD: prior to June 1st, 2018), and was therefore a candidate for classification through an automated scoring system. Utilizing variant allele frequency, disease prevalence and penetrance estimates, and inheritance mode, an automated score was calculated to assess if this variant is too frequent to cause the disease. Based on the score and internal cut-off values, a variant classified as likely benign is not then subjected to further curation. The score for this variant resulted in a classification of likely benign for this disease.

NM_000313.4(PROS1):c.*992T>G

Gene: PROS1 (protein S; minus strand). Cytogenetic location: 3q11.1.
Variant type: single nucleotide variant.
Coding change: c.*992T>G on transcript NM_000313.4 (MANE Select); 992 bases downstream of the stop codon, T replaced by G.
Molecular consequence: 3 prime UTR variant.
Genome position (GRCh38, 1-based): chr3:93,873,253, A>C on the plus strand (T>G on the coding strand, the complement: PROS1 is on the minus strand). VCF-style: chr3-93873253-A-C. GRCh37 (hg19) VCF-style: chr3-93592097-A-C.
Other names: c.*992T>G (NM_001314077.2).
Identifiers: ClinVar variation 902332 (VCV000902332.4), dbSNP rs538711279, ClinGen allele CA78519864.